The following is an entry in ClinVar:

ClinVar aggregate classification (germline): Pathogenic (1 of 4 stars; one submission).

Conditions:
Cystic fibrosis (CF). Also called: MUCOVISCIDOSIS. Identifiers: Orphanet 586, MedGen C0010674, MONDO:0009061, OMIM 219700. Disease mechanism: loss of function.

Submission:

Women's Health and Genetics/Laboratory Corporation of America, LabCorp
Classification: Pathogenic for Cystic fibrosis. Last evaluated: 2025-10-31. Review status: criteria provided, single submitter. Criteria: LabCorp Variant Classification Summary - May 2015. Collection method: clinical testing. Allele origin: germline.
Comment: Variant summary: CFTR c.3610delT (p.Trp1204GlyfsX7) results in a premature termination codon, predicted to cause a truncation of the encoded protein or absence of the protein due to nonsense mediated decay, which are commonly known mechanisms for disease. The variant was absent in 250372 control chromosomes. To our knowledge, no occurrence of c.3610delT in individuals affected with CFTR-related conditions and no experimental evidence demonstrating its impact on protein function have been reported. No submitters have cited clinical-significance assessments for this variant to ClinVar. Based on the evidence outlined above, the variant was classified as pathogenic.

NM_000492.4(CFTR):c.3610del (p.Trp1204fs)

Genes: CFTR (CF transmembrane conductance regulator; plus strand), CFTR-AS2 (CFTR antisense RNA 2; minus strand). Cytogenetic location: 7q31.2.
Variant type: Deletion.
Coding change: c.3610del on transcript NM_000492.4 (MANE Select); coding-DNA position 3610, one base deleted (T; older notation c.3610delT).
Protein change: p.Trp1204fs; shifts the reading frame from tryptophan 1204.
Molecular consequence: frameshift variant.
Genome position (GRCh38, 1-based): chr7:117,627,663, T deleted. VCF-style (leftmost placement, unchanged base first): chr7-117627662-CT-C. GRCh37 (hg19) VCF-style: chr7-117267716-CT-C.
Other names: c.3610delT (NM_000492.4); short protein forms W1204fs.
Identifiers: ClinVar variation 4687791 (VCV004687791.1).